The following is an entry in ClinVar:

ClinVar aggregate classification (germline): Uncertain significance (1 of 4 stars; one submission).

gnomAD v4.1: 1 of 1,613,492 alleles (0.000062%); highest among the groups gnomAD compares: Non-Finnish European, 0.000085%; no homozygotes.

Submission:

Women's Health and Genetics/Laboratory Corporation of America, LabCorp
Classification: Uncertain significance. Last evaluated: 2024-08-15. Review status: criteria provided, single submitter. Criteria: LabCorp Variant Classification Summary - May 2015. Collection method: clinical testing. Allele origin: germline.
Comment: Variant summary: SLC26A4 c.2324T>C (p.Met775Thr) results in a non-conservative amino acid change in the encoded protein sequence. Three of four in-silico tools predict a damaging effect of the variant on protein function. The variant was absent in 251442 control chromosomes (gnomAD). The available data on variant occurrences in the general population are insufficient to allow any conclusion about variant significance. c.2324T>C has been reported in the literature in heterozygous individuals affected with Enlarged Vestibular Aqueduct without strong evidence of causality (Choi_2009, Chattaraj_2017). These reports do not provide unequivocal conclusions about association of the variant with Pendred Syndrome. At least one publication reports experimental evidence evaluating an impact on protein function, finding that the variant results in partially reduced ion transport activity (Choi_2009). The following publications have been ascertained in the context of this evaluation (PMID: 19204907, 28780564). No submitters have cited clinical-significance assessments for this variant to ClinVar. Based on the evidence outlined above, the variant was classified as uncertain significance.

Literature cited by the submitters: PubMed 19204907; PubMed 28780564.

NM_000441.2(SLC26A4):c.2324T>C (p.Met775Thr)

Gene: SLC26A4 (solute carrier family 26 member 4; plus strand). Cytogenetic location: 7q22.3.
Variant type: single nucleotide variant.
Coding change: c.2324T>C on transcript NM_000441.2 (MANE Select); coding-DNA position 2324, T replaced by C.
Protein change: p.Met775Thr; replaces methionine 775 with threonine.
Molecular consequence: missense variant.
Genome position (GRCh38, 1-based): chr7:107,715,427, T>C. VCF-style: chr7-107715427-T-C. GRCh37 (hg19) VCF-style: chr7-107355872-T-C.
Other names: short protein forms M775T.
Identifiers: ClinVar variation 3366771 (VCV003366771.1).